The following is an entry in ClinVar:

NM_002838.5(PTPRC):c.965G>C (p.Cys322Ser)

Gene: PTPRC (protein tyrosine phosphatase receptor type C; plus strand). Cytogenetic location: 1q32.1.
Variant type: single nucleotide variant.
Coding change: c.965G>C on transcript NM_002838.5 (MANE Select); coding-DNA position 965, G replaced by C.
Protein change: p.Cys322Ser; replaces cysteine 322 with serine.
Molecular consequence: missense variant.
Genome position (GRCh38, 1-based): chr1:198,708,193, G>C. VCF-style: chr1-198708193-G-C. GRCh37 (hg19) VCF-style: chr1-198677322-G-C.
Other names: c.482G>C, p.Cys161Ser (NM_080921.4); short protein forms C161S, C322S.
Identifiers: ClinVar variation 651344 (VCV000651344.7), dbSNP rs368910528, ClinGen allele CA1314656.
Genomic context (GRCh38, chr1:198,708,193, plus strand): 5'-GGGTTGAAAAGTTTCAGTTACATGATTGTACACAAGTTGAAAAAGCAGATACTACTATTT[G>C]TTTAAAATGGAAAAATATTGAAACCTTTACTTGTGATACACAGAATATTACCTACAGATT-3'
Protein context (NP_002829.3, residues 312-332): TQVEKADTTI[Cys322Ser]LKWKNIETFT

ClinVar aggregate classification (germline): Uncertain significance (1 of 4 stars; one submission).

Conditions:
Immunodeficiency 104. Also called: Severe combined immunodeficiency, autosomal recessive, T cell-negative, B cell-positive, NK cell-positive; SCID, AUTOSOMAL RECESSIVE, T CELL-NEGATIVE, B CELL-POSITIVE, NK CELL-POSITIVE; Severe Combined Immune Deficiency, Autosomal Recessive, TCell -Negative, B Cell-Positive, NK Cell-Positive, IL7R-Related; IMMUNODEFICIENCY 104, SEVERE COMBINED. Identifiers: MedGen C5676890, MONDO:0012163, OMIM 608971.

Allele frequency attached by ClinVar (database versions not stated): ExAC 0.00001; gnomAD 0.00001; gnomAD exomes 0.00001; ESP Exome Variant Server 0.00008.
gnomAD v4.1: 6 of 1,604,628 alleles (0.00037%); highest among the groups gnomAD compares: Non-Finnish European, 0.00051%; no homozygotes.

Submission:

Labcorp Genetics (formerly Invitae), Labcorp
Classification: Uncertain significance for Immunodeficiency 104. Last evaluated: 2025-06-02. Review status: criteria provided, single submitter. Criteria: Invitae Variant Classification Sherloc (09022015). Collection method: clinical testing. Allele origin: germline.
Comment: This sequence change replaces cysteine, which is neutral and slightly polar, with serine, which is neutral and polar, at codon 322 of the PTPRC protein (p.Cys322Ser). This variant is present in population databases (rs368910528, gnomAD 0.002%). This variant has not been reported in the literature in individuals affected with PTPRC-related conditions. ClinVar contains an entry for this variant (Variation ID: 651344). An algorithm developed to predict the effect of missense changes on protein structure and function (PolyPhen-2) suggests that this variant is likely to be tolerated. In summary, the available evidence is currently insufficient to determine the role of this variant in disease. Therefore, it has been classified as a Variant of Uncertain Significance.